The following is an entry in ClinVar:

NM_001080467.3(MYO5B):c.138G>A (p.Thr46=)

Gene: MYO5B (myosin VB; minus strand). Cytogenetic location: 18q21.1.
Variant type: single nucleotide variant.
Coding change: c.138G>A on transcript NM_001080467.3 (MANE Select); coding-DNA position 138, G replaced by A.
Protein change: p.Thr46=; no amino-acid change (threonine 46 retained).
Molecular consequence: synonymous variant.
Genome position (GRCh38, 1-based): chr18:50,055,268, C>T on the plus strand (G>A on the coding strand, the complement: MYO5B is on the minus strand). VCF-style: chr18-50055268-C-T. GRCh37 (hg19) VCF-style: chr18-47581638-C-T.
Identifiers: ClinVar variation 1497091 (VCV001497091.5), dbSNP rs201403876, ClinGen allele CA8962014.

ClinVar aggregate classification (germline): Uncertain significance (1 of 4 stars; one submission).

gnomAD v4.1: 26 of 1,400,952 alleles (0.0019%); highest among the groups gnomAD compares: South Asian, 0.0046%; no homozygotes.

Submission:

Labcorp Genetics (formerly Invitae), Labcorp
Classification: Uncertain significance. Last evaluated: 2025-03-18. Review status: criteria provided, single submitter. Criteria: Invitae Variant Classification Sherloc (09022015). Collection method: clinical testing. Allele origin: germline.
Comment: This sequence change affects codon 46 of the MYO5B mRNA. It is a 'silent' change, meaning that it does not change the encoded amino acid sequence of the MYO5B protein. This variant also falls at the last nucleotide of exon 2, which is part of the consensus splice site for this exon. This variant is present in population databases (rs201403876, gnomAD 0.006%). This variant has not been reported in the literature in individuals affected with MYO5B-related conditions. ClinVar contains an entry for this variant (Variation ID: 1497091). Variants that disrupt the consensus splice site are a relatively common cause of aberrant splicing (PMID: 17576681, 9536098). Algorithms developed to predict the effect of sequence changes on RNA splicing suggest that this variant may disrupt the consensus splice site. In summary, the available evidence is currently insufficient to determine the role of this variant in disease. Therefore, it has been classified as a Variant of Uncertain Significance.

Literature cited by the submitters: PubMed 17576681; PubMed 9536098.